The following is an entry in ClinVar:

ClinVar aggregate classification (germline): Uncertain significance (1 of 4 stars; one submission).

Submission:

Labcorp Genetics (formerly Invitae), Labcorp
Classification: Uncertain significance. Last evaluated: 2025-01-06. Review status: criteria provided, single submitter. Criteria: Invitae Variant Classification Sherloc (09022015). Collection method: clinical testing. Allele origin: germline.
Comment: This sequence change replaces alanine, which is neutral and non-polar, with lysine, which is basic and polar, at codon 446 of the LARP7 protein (p.Ala446Lys). This variant is present in population databases (no rsID available, gnomAD 0.02%), including at least one homozygous and/or hemizygous individual. This variant has not been reported in the literature in individuals affected with LARP7-related conditions. An algorithm developed to predict the effect of missense changes on protein structure and function (PolyPhen-2) suggests that this variant is likely to be tolerated. In summary, the available evidence is currently insufficient to determine the role of this variant in disease. Therefore, it has been classified as a Variant of Uncertain Significance.

NM_016648.4(LARP7):c.1336_1337delinsAA (p.Ala446Lys)

Gene: LARP7 (La ribonucleoprotein 7, transcriptional regulator; plus strand). Cytogenetic location: 4q25.
Variant type: Indel.
Coding change: c.1336_1337delinsAA on transcript NM_016648.4 (MANE Select); coding-DNA positions 1336 to 1337, GC replaced by AA.
Protein change: p.Ala446Lys; replaces alanine 446 with lysine.
Molecular consequence: missense variant.
Genome position (GRCh38, 1-based): chr4:112,650,502-112,650,503, GC replaced by AA. VCF-style: chr4-112650502-GC-AA. GRCh37 (hg19) VCF-style: chr4-113571658-GC-AA.
Other names: c.1336_1337delinsAA, p.Ala446Lys (NM_001267039.4, NM_001370978.1, NM_015454.3); c.1375_1376delinsAA, p.Ala459Lys (NM_001370974.1, NM_001370975.1); c.1372_1373delinsAA, p.Ala458Lys (NM_001370976.1, NM_001370977.1); c.1333_1334delinsAA, p.Ala445Lys (NM_001370979.1, NM_001370980.1); c.1099_1100delinsAA, p.Ala367Lys (NM_001370981.1, NM_001370982.1); short protein forms A367K, A445K, A446K, A458K, A459K.
Identifiers: ClinVar variation 3604852 (VCV003604852.2).
Genomic context (GRCh38, chr4:112,650,502, plus strand): 5'-TTTTTCCTTTTCTAATCAGCAGCCAACAGGGAAGAGTGTCGCACCCAGGAGAAAGTTAAT[GC>AA]AACAGGACCACAGTTCGTGAGTGGAGTGATTGTGAAGATCATTAGCACAGAGCCTCTACC-3'
Protein context (NP_057732.2, residues 436-456): EECRTQEKVN[Ala446Lys]TGPQFVSGVI